The following is an entry in ClinVar:

NM_000059.4(BRCA2):c.3758C>T (p.Ala1253Val)

Gene: BRCA2 (BRCA2 DNA repair associated; plus strand). Cytogenetic location: 13q13.1.
Variant type: single nucleotide variant.
Coding change: c.3758C>T on transcript NM_000059.4 (MANE Select); coding-DNA position 3758, C replaced by T.
Protein change: p.Ala1253Val; replaces alanine 1253 with valine.
Molecular consequence: missense variant.
Genome position (GRCh38, 1-based): chr13:32,338,113, C>T. VCF-style: chr13-32338113-C-T. GRCh37 (hg19) VCF-style: chr13-32912250-C-T.
Other names: p.A1253V:GCA>GTA; 3986C>T; short protein forms A1253V.
Identifiers: ClinVar variation 182204 (VCV000182204.12), dbSNP rs730881527, ClinGen allele CA018726.
Genomic context (GRCh38, chr13:32,338,113, plus strand): 5'-CTCTGCAAAAAGCTGTGAAACTGTTTAGTGATATTGAGAATATTAGTGAGGAAACTTCTG[C>T]AGAGGTACATCCAATAAGTTTATCTTCAAGTAAATGTCATGATTCTGTTGTTTCAATGTT-3'
Protein context (NP_000050.3, residues 1243-1263): DIENISEETS[Ala1253Val]EVHPISLSSS

ClinVar aggregate classification (germline): Conflicting classifications of pathogenicity. Review status: criteria provided, conflicting classifications (1 of 4 stars). 5 submissions from 5 submitters: Uncertain significance (2); Likely benign (1). 2 of the submissions do not count toward it. Last evaluated 2025-02-27.

Conditions:
Hereditary cancer-predisposing syndrome. Also called: Tumor predisposition; Hereditary Cancer Syndrome; Hereditary neoplastic syndrome; Neoplastic Syndromes, Hereditary. Identifiers: Orphanet 140162, MedGen C0027672, MeSH D009386, MONDO:0015356.
Hereditary breast ovarian cancer syndrome. Also called: Breast and ovarian cancer; Hereditary breast and ovarian cancer syndrome; Hereditary breast and ovarian cancer; BRCA1- and BRCA2-Associated Hereditary Breast and Ovarian Cancer; Hereditary breast and ovarian cancer syndrome (HBOC); Hereditary breast and/or ovarian cancer syndrome. Identifiers: Orphanet 145, MedGen C0677776, MeSH D061325, MONDO:0003582. Disease mechanism: loss of function.
Breast-ovarian cancer, familial, susceptibility to, 2 (BROVCA2). Also called: BRCA2 Hereditary Breast and Ovarian Cancer. Identifiers: Orphanet 145, MedGen C2675520, MONDO:0012933, OMIM 612555. Disease mechanism: loss of function.

Submissions (5):

Labcorp Genetics (formerly Invitae), Labcorp
Classification: Uncertain significance for Hereditary breast ovarian cancer syndrome. Last evaluated: 2025-02-27. Review status: criteria provided, single submitter. Criteria: Invitae Variant Classification Sherloc (09022015). Collection method: clinical testing. Allele origin: germline.
Comment: This sequence change replaces alanine, which is neutral and non-polar, with valine, which is neutral and non-polar, at codon 1253 of the BRCA2 protein (p.Ala1253Val). This variant is not present in population databases (gnomAD no frequency). This variant has not been reported in the literature in individuals affected with BRCA2-related conditions. ClinVar contains an entry for this variant (Variation ID: 182204). Invitae Evidence Modeling of protein sequence and biophysical properties (such as structural, functional, and spatial information, amino acid conservation, physicochemical variation, residue mobility, and thermodynamic stability) indicates that this missense variant is not expected to disrupt BRCA2 protein function with a negative predictive value of 95%. In summary, the available evidence is currently insufficient to determine the role of this variant in disease. Therefore, it has been classified as a Variant of Uncertain Significance.

University of Washington Department of Laboratory Medicine, University of Washington
Classification: Likely benign for Hereditary cancer-predisposing syndrome. Last evaluated: 2023-03-23. Review status: criteria provided, single submitter. Criteria: Dines et al. (Genet Med. 2020). Collection method: curation. Allele origin: germline.
Comment: Missense variant in a coldspot region where missense variants are very unlikely to be pathogenic (PMID:31911673).

BRCA2 exon 11 coldspot. Reclassification based on statistical prior probability.

GeneDx
Classification: Uncertain significance. Last evaluated: 2014-04-03. Review status: criteria provided, single submitter. Criteria: GeneDx Variant Classification (06012015). Collection method: clinical testing. Allele origin: germline. Affected: yes.
Comment: This variant is denoted BRCA2 c.3758C>T at the cDNA level, p.Ala1253Val (A1253V) at the protein level, and results in the change of an Alanine to a Valine (GCA>GTA). This variant has not, to our knowledge, been published in the literature as pathogenic or benign. BRCA2 Ala1253Val was not observed in approximately 6,500 individuals of European and African American ancestry in the NHLBI Exome Sequencing Project, indicating it is not a common benign variant in these populations. Since Alanine and Valine share similar properties, this is considered a conservative amino acid substitution and is unlikely to affect protein integrity. BRCA2 Ala1253Val occurs at a position that is moderately conserved across species and is located in the RAD51 interaction region (Roy 2012). In silico analyses predict that this variant is unlikely to alter protein structure or function. Based on currently available information, it is unclear whether BRCA2 Ala1253Val is pathogenic or benign. We consider it to be a variant of uncertain significance.

Counsyl
Classification: Uncertain significance for Breast-ovarian cancer, familial, susceptibility to, 2. Last evaluated: 2016-05-23. Review status: no assertion criteria provided. Collection method: clinical testing. Allele origin: unknown. Not counted in ClinVar's aggregate classification.

Sharing Clinical Reports Project (SCRP)
Classification: Uncertain significance for Breast-ovarian cancer, familial 2. Last evaluated: 2008-12-04. Review status: no assertion criteria provided. Collection method: clinical testing. Allele origin: germline. Not counted in ClinVar's aggregate classification.